The following is an entry in ClinVar:

ClinVar aggregate classification (germline): Uncertain significance (1 of 4 stars; one submission).

Allele frequency attached by ClinVar (database versions not stated): gnomAD 0.00001.
gnomAD v4.1: 4 of 1,612,376 alleles (0.00025%); highest among the groups gnomAD compares: African/African-American, 0.0027%; no homozygotes.

Submission:

Labcorp Genetics (formerly Invitae), Labcorp
Classification: Uncertain significance. Last evaluated: 2022-04-24. Review status: criteria provided, single submitter. Criteria: Invitae Variant Classification Sherloc (09022015). Collection method: clinical testing. Allele origin: germline.
Comment: This variant is not present in population databases (gnomAD no frequency). This variant has not been reported in the literature in individuals affected with HERC1-related conditions. Algorithms developed to predict the effect of missense changes on protein structure and function are either unavailable or do not agree on the potential impact of this missense change (SIFT: "Deleterious"; PolyPhen-2: "Possibly Damaging"; Align-GVGD: "Class C0"). In summary, the available evidence is currently insufficient to determine the role of this variant in disease. Therefore, it has been classified as a Variant of Uncertain Significance. This sequence change replaces leucine, which is neutral and non-polar, with methionine, which is neutral and non-polar, at codon 2538 of the HERC1 protein (p.Leu2538Met).

NM_003922.4(HERC1):c.7612C>A (p.Leu2538Met)

Gene: HERC1 (HECT and RLD domain containing E3 ubiquitin protein ligase family member 1; minus strand). Cytogenetic location: 15q22.31.
Variant type: single nucleotide variant.
Coding change: c.7612C>A on transcript NM_003922.4 (MANE Select); coding-DNA position 7612, C replaced by A.
Protein change: p.Leu2538Met; replaces leucine 2538 with methionine.
Molecular consequence: missense variant.
Genome position (GRCh38, 1-based): chr15:63,674,576, G>T on the plus strand (C>A on the coding strand, the complement: HERC1 is on the minus strand). VCF-style: chr15-63674576-G-T. GRCh37 (hg19) VCF-style: chr15-63966775-G-T.
Other names: short protein forms L2538M.
Identifiers: ClinVar variation 1959919 (VCV001959919.5), dbSNP rs983570906, ClinGen allele CA392765158.